The following is an entry in ClinVar:

NM_000252.3(MTM1):c.1438T>C (p.Phe480Leu)

Gene: MTM1 (myotubularin 1; plus strand). Cytogenetic location: Xq28.
Variant type: single nucleotide variant.
Coding change: c.1438T>C on transcript NM_000252.3 (MANE Select); coding-DNA position 1438, T replaced by C.
Protein change: p.Phe480Leu; replaces phenylalanine 480 with leucine.
Molecular consequence: missense variant.
Genome position (GRCh38, 1-based): chrX:150,660,455, T>C. VCF-style: chrX-150660455-T-C. GRCh37 (hg19) VCF-style: chrX-149828928-T-C.
Other names: c.1438T>C, p.Phe480Leu (NM_001376906.1, NM_001376908.1); c.1327T>C, p.Phe443Leu (NM_001376907.1); short protein forms F443L, F480L.
Identifiers: ClinVar variation 3727080 (VCV003727080.2).

ClinVar aggregate classification (germline): Uncertain significance (1 of 4 stars; one submission).

Conditions:
Severe X-linked myotubular myopathy (CNMX). Also called: X-linked centronuclear myopathy; Myotubular myopathy, X-linked; MYOTUBULAR MYOPATHY 1. Identifiers: Orphanet 596, MedGen C0410203, MONDO:0010683, OMIM 310400.

gnomAD v4.1: 3 of 1,198,198 alleles (0.00025%); highest among the groups gnomAD compares: African/African-American, 0.0035%; no homozygotes.

Submission:

Labcorp Genetics (formerly Invitae), Labcorp
Classification: Uncertain significance for Severe X-linked myotubular myopathy. Last evaluated: 2024-04-05. Review status: criteria provided, single submitter. Criteria: Invitae Variant Classification Sherloc (09022015). Collection method: clinical testing. Allele origin: germline.
Comment: This sequence change replaces phenylalanine, which is neutral and non-polar, with leucine, which is neutral and non-polar, at codon 480 of the MTM1 protein (p.Phe480Leu). This variant is not present in population databases (gnomAD no frequency). This variant has not been reported in the literature in individuals affected with MTM1-related conditions. Algorithms developed to predict the effect of missense changes on protein structure and function output the following: SIFT: "Not Available"; PolyPhen-2: "Benign"; Align-GVGD: "Not Available". The leucine amino acid residue is found in multiple mammalian species, which suggests that this missense change does not adversely affect protein function. In summary, the available evidence is currently insufficient to determine the role of this variant in disease. Therefore, it has been classified as a Variant of Uncertain Significance.